The following is an entry in ClinVar:

NM_173354.5(SIK1):c.2226C>T (p.Pro742=)

Gene: SIK1 (salt inducible kinase 1; minus strand). Cytogenetic location: 21q22.3.
Variant type: single nucleotide variant.
Coding change: c.2226C>T on transcript NM_173354.5 (MANE Select); coding-DNA position 2226, C replaced by T.
Protein change: p.Pro742=; no amino-acid change (proline 742 retained).
Molecular consequence: synonymous variant.
Genome position (GRCh38, 1-based): chr21:43,416,868, G>A on the plus strand (C>T on the coding strand, the complement: SIK1 is on the minus strand). VCF-style: chr21-43416868-G-A. GRCh37 (hg19) VCF-style: chr21-44836748-G-A.
Other names: p.Pro742=.
Identifiers: ClinVar variation 715073 (VCV000715073.38), dbSNP rs199872172, ClinGen allele CA321324296.

ClinVar aggregate classification (germline): Likely benign. Review status: criteria provided, multiple submitters, no conflicts (2 of 4 stars). 4 submissions from 4 submitters: Likely benign (4). Last evaluated 2026-01-18.

Conditions:
Developmental and epileptic encephalopathy, 30 (DEE30). Also called: Epileptic encephalopathy, early infantile, 30. Identifiers: MedGen C4225360, MONDO:0014595, OMIM 616341.
Inborn genetic diseases. Identifiers: MedGen C0950123, MeSH D030342.

Allele frequency attached by ClinVar (database versions not stated): 1000 Genomes Project 0.00020; gnomAD 0.00022.

Submissions (4):

Labcorp Genetics (formerly Invitae), Labcorp
Classification: Likely benign for Developmental and epileptic encephalopathy, 30. Last evaluated: 2026-01-18. Review status: criteria provided, single submitter. Criteria: Invitae Variant Classification Sherloc (09022015). Collection method: clinical testing. Allele origin: germline.

Mayo Clinic Laboratories, Mayo Clinic
Classification: Likely benign. Last evaluated: 2025-10-06. Review status: criteria provided, single submitter. Criteria: ACMG Guidelines, 2015. Collection method: clinical testing. Allele origin: germline. Observed: 1 variant allele.
Comment: BS1, BP4, BP7

CeGaT Center for Human Genetics Tuebingen
Classification: Likely benign. Last evaluated: 2023-01-01. Review status: criteria provided, single submitter. Criteria: CeGaT Center For Human Genetics Tuebingen Variant Classification Criteria Version 2. Collection method: clinical testing. Allele origin: germline. Affected: yes. Observed: 1 variant allele.
Comment: SIK1: BP4, BP7

Ambry Genetics
Classification: Likely benign for Inborn genetic diseases. Last evaluated: 2018-10-23. Review status: criteria provided, single submitter. Criteria: Ambry Variant Classification Scheme 2023. Collection method: clinical testing. Allele origin: germline.